The following is an entry in ClinVar:

ClinVar aggregate classification (germline): Benign. Review status: criteria provided, single submitter (1 of 4 stars). 2 submissions from 2 submitters: Benign (1). 1 of the submissions does not count toward it. Last evaluated 2019-12-31.

Conditions:
SEMA3D-related disorder. Also called: SEMA3D-related condition.

Allele frequency attached by ClinVar (database versions not stated): gnomAD exomes 0.00030 and 0.00069; ExAC 0.00094; 1000 Genomes Project 0.00220; ESP Exome Variant Server 0.00231; gnomAD 0.00281 and 0.00305; 1000 Genomes Project 30x 0.00312; TOPMed 0.00315.
gnomAD v4.1: 855 of 1,473,016 alleles (0.058%); highest among the groups gnomAD compares: African/African-American, 1.1%; 6 homozygotes.

Submissions (2):

Labcorp Genetics (formerly Invitae), Labcorp
Classification: Benign. Last evaluated: 2019-12-31. Review status: criteria provided, single submitter. Criteria: Invitae Variant Classification Sherloc (09022015). Collection method: clinical testing. Allele origin: germline.

PreventionGenetics, part of Exact Sciences
Classification: Benign for SEMA3D-related condition. Last evaluated: 2019-04-09. Review status: no assertion criteria provided. Collection method: clinical testing. Allele origin: germline. Not counted in ClinVar's aggregate classification.
Comment: This variant is classified as benign based on ACMG/AMP sequence variant interpretation guidelines (Richards et al. 2015 PMID: 25741868, with internal and published modifications).

NM_001384900.1(SEMA3D):c.152-9T>C

Gene: SEMA3D (semaphorin 3D; minus strand). Cytogenetic location: 7q21.11.
Variant type: single nucleotide variant.
Coding change: c.152-9T>C on transcript NM_001384900.1 (MANE Select); 9 bases into the intron before coding-DNA position 152, T replaced by C.
Molecular consequence: intron variant.
Genome position (GRCh38, 1-based): chr7:85,097,974, A>G on the plus strand (T>C on the coding strand, the complement: SEMA3D is on the minus strand). VCF-style: chr7-85097974-A-G. GRCh37 (hg19) VCF-style: chr7-84727290-A-G.
Other names: c.152-9T>C (NM_001384901.1, NM_001384903.1, NM_001384902.1 and 1 more transcripts).
Identifiers: ClinVar variation 716955 (VCV000716955.6), dbSNP rs200723602, ClinGen allele CA4323847.
Genomic context (GRCh38, chr7:85,097,974, plus strand): 5'-AGTCCTTCTGATGAACCCAAAAAGGGAATACAGCTATTTGAAAGCAGCAAGTCTATGGAA[A>G]GCAAAAAAAGAAAAGAAAGGAGAAAGAAAAAAGAAAGAAAGAAAGAGAAAGAAAGGAGAG-3'